The following is an entry in ClinVar:

NM_002734.5(PRKAR1A):c.691T>C (p.Tyr231His)

Gene: PRKAR1A (protein kinase cAMP-dependent type I regulatory subunit alpha; plus strand). Cytogenetic location: 17q24.2.
Variant type: single nucleotide variant.
Coding change: c.691T>C on transcript NM_002734.5 (MANE Select); coding-DNA position 691, T replaced by C.
Protein change: p.Tyr231His; replaces tyrosine 231 with histidine.
Molecular consequence: missense variant.
Genome position (GRCh38, 1-based): chr17:68,525,895, T>C. VCF-style: chr17-68525895-T-C. GRCh37 (hg19) VCF-style: chr17-66522036-T-C.
Other names: c.691T>C, p.Tyr231His (NM_001276289.2, NM_001276290.1, NM_001278433.2 and 4 more transcripts); c.691T>C (NM_002734.3); short protein forms Y231H.
Identifiers: ClinVar variation 1425542 (VCV001425542.10), dbSNP rs2143324114, ClinGen allele CA400753362.

ClinVar aggregate classification (germline): Uncertain significance. Review status: criteria provided, multiple submitters, no conflicts (2 of 4 stars). 3 submissions from 3 submitters: Uncertain significance (3). Last evaluated 2026-09-12.

Conditions:
Acrodysostosis 1 with or without hormone resistance (ACRDYS1). Also called: ACRODYSOSTOSIS WITH HORMONE RESISTANCE; ACRODYSOSTOSIS 1 WITH HORMONE RESISTANCE; ACRODYSOSTOSIS 1 WITHOUT HORMONE RESISTANCE. Identifiers: Orphanet 280651, MedGen C3276228, MONDO:0007044, OMIM 101800.
Carney complex, type 1 (CNC1). Also called: CARNEY COMPLEX, TYPE I; CARNEY MYXOMA-ENDOCRINE COMPLEX. Identifiers: Orphanet 1359, MedGen C2607929, MONDO:0008057, OMIM 160980.
Familial atrial myxoma. Identifiers: Orphanet 615, MedGen C2931787, MONDO:0009719, OMIM 255960.
Pigmented nodular adrenocortical disease, primary, 1 (PPNAD1). Also called: PIGMENTED MICRONODULAR ADRENOCORTICAL DISEASE, PRIMARY, 1; ADRENOCORTICAL NODULAR DYSPLASIA, PRIMARY; CUSHING SYNDROME, ADRENAL, DUE TO PPNAD1. Identifiers: Orphanet 189439, MedGen C1864846, MONDO:0012509, OMIM 610489.
Hereditary cancer-predisposing syndrome. Also called: Hereditary Cancer Syndrome; Neoplastic Syndromes, Hereditary; Hereditary neoplastic syndrome; Tumor predisposition. Identifiers: Orphanet 140162, MedGen C0027672, MeSH D009386, MONDO:0015356.

Submissions (3):

Ambry Genetics
Classification: Uncertain significance for Hereditary cancer-predisposing syndrome. Last evaluated: 2026-09-12. Review status: criteria provided, single submitter. Criteria: Ambry Variant Classification Scheme 2023. Collection method: clinical testing. Allele origin: germline.
Comment: The p.Y231H variant (also known as c.691T>C), located in coding exon 6 of the PRKAR1A gene, results from a T to C substitution at nucleotide position 691. The tyrosine at codon 231 is replaced by histidine, an amino acid with similar properties. This amino acid position is conserved. In addition, this alteration is predicted to be deleterious by in silico analysis. Based on the available evidence, the clinical significance of this variant remains unclear.

Labcorp Genetics (formerly Invitae), Labcorp
Classification: Uncertain significance for Carney complex, type 1. Last evaluated: 2025-11-10. Review status: criteria provided, single submitter. Criteria: Invitae Variant Classification Sherloc (09022015). Collection method: clinical testing. Allele origin: germline.
Comment: This sequence change replaces tyrosine, which is neutral and polar, with histidine, which is basic and polar, at codon 231 of the PRKAR1A protein (p.Tyr231His). This variant is not present in population databases (gnomAD no frequency). This variant has not been reported in the literature in individuals affected with PRKAR1A-related conditions. ClinVar contains an entry for this variant (Variation ID: 1425542). Invitae Evidence Modeling of protein sequence and biophysical properties (such as structural, functional, and spatial information, amino acid conservation, physicochemical variation, residue mobility, and thermodynamic stability) indicates that this missense variant is expected to disrupt PRKAR1A protein function with a positive predictive value of 95%. In summary, the available evidence is currently insufficient to determine the role of this variant in disease. Therefore, it has been classified as a Variant of Uncertain Significance.

Fulgent Genetics
Classification: Uncertain significance for Acrodysostosis 1 with or without hormone resistance; Carney complex, type 1; Familial atrial myxoma; Pigmented nodular adrenocortical disease, primary, 1. Last evaluated: 2021-11-01. Review status: criteria provided, single submitter. Criteria: ACMG Guidelines, 2015. Collection method: clinical testing. Allele origin: unknown.